The following is an entry in ClinVar:

NM_001035.3(RYR2):c.14481C>A (p.Ile4827=)

Gene: RYR2 (ryanodine receptor 2; plus strand). Cytogenetic location: 1q43.
Variant type: single nucleotide variant.
Coding change: c.14481C>A on transcript NM_001035.3 (MANE Select); coding-DNA position 14481, C replaced by A.
Protein change: p.Ile4827=; no amino-acid change (isoleucine 4827 retained).
Molecular consequence: synonymous variant.
Genome position (GRCh38, 1-based): chr1:237,819,083, C>A. VCF-style: chr1-237819083-C-A. GRCh37 (hg19) VCF-style: chr1-237982383-C-A.
Other names: p.I4827I:ATC>ATA.
Identifiers: ClinVar variation 43745 (VCV000043745.73), dbSNP rs114303476, ClinGen allele CA008273.
Genomic context (GRCh38, chr1:237,819,083, plus strand): 5'-GTCTTTTTTCCAGTGCTATATGTTCCACATGTATGTTGGAGTTCGTGCTGGAGGAGGGAT[C>A]GGGGATGAAATCGAAGACCCAGCAGGAGATGAATATGAGATCTATCGAATCATCTTTGAC-3'
Protein context (NP_001026.2, residues 4817-4837): MYVGVRAGGG[Ile4827=]GDEIEDPAGD

ClinVar aggregate classification (germline): Benign/Likely benign. Review status: criteria provided, multiple submitters, no conflicts (2 of 4 stars). 21 submissions from 20 submitters: Benign (12); Likely benign (5). 4 of the submissions do not count toward it. Last evaluated 2026-08-01.

Conditions:
Ventricular arrhythmias due to cardiac ryanodine receptor calcium release deficiency syndrome. Also called: Autosomal dominant cardiac arrhythmia (Kuhn). Identifiers: MedGen C5542154, MONDO:0020745, OMIM 115000.
Catecholaminergic polymorphic ventricular tachycardia 1. Also called: RYR2-Related Catecholaminergic Polymorphic Ventricular Tachycardia; VENTRICULAR TACHYCARDIA, STRESS-INDUCED POLYMORPHIC 1; VENTRICULAR TACHYCARDIA, CATECHOLAMINERGIC POLYMORPHIC, 1, WITH OR WITHOUT ATRIAL DYSFUNCTION AND/OR DILATED CARDIOMYOPATHY. Identifiers: Orphanet 3286, MedGen C1631597, MONDO:0011484, OMIM 604772.
Arrhythmogenic right ventricular dysplasia 2. Identifiers: MedGen C1832931.
RYR2-related disorder. Also called: RYR2-related condition.
Cardiovascular phenotype. Identifiers: MedGen CN230736.
Cardiomyopathy (CMYO). Also called: Cardiomyopathies. Identifiers: Orphanet 167848, MedGen C0878544, MONDO:0004994, HP:0001638. Inheritance: Various modes of inheritance.
Catecholaminergic polymorphic ventricular tachycardia (CVPT). Also called: Catecholamine-induced polymorphic ventricular tachycardia. Identifiers: Orphanet 3286, MedGen C5574922, MONDO:0017990.

Allele frequency attached by ClinVar (database versions not stated): 1000 Genomes Project 0.00280; 1000 Genomes Project 30x 0.00328; TOPMed 0.00272.

Submissions (21):

CeGaT Center for Human Genetics Tuebingen
Classification: Likely benign. Last evaluated: 2026-08-01. Review status: criteria provided, single submitter. Criteria: CeGaT Center For Human Genetics Tuebingen Variant Classification Criteria Version 2. Collection method: clinical testing. Allele origin: germline. Affected: yes. Observed: 16 variant alleles.
Comment: RYR2: BP4, BP7, BS1

Labcorp Genetics (formerly Invitae), Labcorp
Classification: Benign for Catecholaminergic polymorphic ventricular tachycardia 1. Last evaluated: 2026-01-31. Review status: criteria provided, single submitter. Criteria: Invitae Variant Classification Sherloc (09022015). Collection method: clinical testing. Allele origin: germline.

Molecular Diagnostic Laboratory for Inherited Cardiovascular Disease, Montreal Heart Institute
Classification: Benign. Last evaluated: 2025-04-09. Review status: criteria provided, single submitter. Criteria: ACMG Guidelines, 2015. Collection method: clinical testing. Allele origin: germline. Affected: no.

Blueprint Genetics
Classification: Likely benign. Last evaluated: 2024-09-12. Review status: criteria provided, single submitter. Criteria: ACMG Guidelines, 2015. Collection method: clinical testing. Allele origin: germline.

All of Us Research Program, National Institutes of Health
Classification: Benign for Catecholaminergic polymorphic ventricular tachycardia. Last evaluated: 2024-02-05. Review status: criteria provided, single submitter. Criteria: ACMG Guidelines, 2015. Collection method: clinical testing. Allele origin: germline. Inheritance: Autosomal dominant inheritance. Observed: 261 variant alleles, 261 heterozygotes.
Comment: This study involves interpretation of variants in research participants for the purpose of population health screening. Participant phenotype was not available at the time of variant classification. Additional details can be found in publication PMID: 35346344, PMCID: PMC8962531

Fulgent Genetics
Classification: Likely benign for Ventricular arrhythmias due to cardiac ryanodine receptor calcium release deficiency syndrome; Catecholaminergic polymorphic ventricular tachycardia 1. Last evaluated: 2021-08-09. Review status: criteria provided, single submitter. Criteria: ACMG Guidelines, 2015. Collection method: clinical testing. Allele origin: unknown.

ARUP Laboratories, Molecular Genetics and Genomics, ARUP Laboratories
Classification: Benign. Last evaluated: 2021-01-20. Review status: criteria provided, single submitter. Criteria: ARUP Molecular Germline Variant Investigation Process 2021. Collection method: clinical testing. Allele origin: germline.

Women's Health and Genetics/Laboratory Corporation of America, LabCorp
Classification: Benign. Last evaluated: 2018-07-31. Review status: criteria provided, single submitter. Criteria: LabCorp Variant Classification Summary - May 2015. Collection method: clinical testing. Allele origin: germline.
Comment: Variant summary: RYR2 c.14481C>A alters a non-conserved nucleotide resulting in a synonymous change. 5/5 computational tools predict no significant impact on normal splicing. However, these predictions have yet to be confirmed by functional studies. The variant allele was found at a frequency of 0.0011 in 277088 control chromosomes, predominantly within the African subpopulation at a frequency of 0.0093 in the gnomAD database, including 1 homozygote. The observed variant frequency within African control individuals in the gnomAD database is approximately 155-fold above the estimated maximal expected allele frequency for a pathogenic variant in RYR2 causing Arrhythmia phenotype (6e-05), strongly suggesting that the variant is a benign polymorphism found primarily in populations of African origin. To our knowledge, no occurrence of c.14481C>A in individuals affected with Arrhythmia and no experimental evidence demonstrating its impact on protein function have been reported. Four ClinVar submissions from other clinical diagnostic laboratories (evaluation after 2014) cite the variant as "benign." Based on the evidence outlined above, the variant was classified as benign.

Color Diagnostics, LLC DBA Color Health
Classification: Benign for Cardiomyopathy. Last evaluated: 2018-06-04. Review status: criteria provided, single submitter. Criteria: ACMG Guidelines, 2015. Collection method: clinical testing. Allele origin: germline.

Illumina Laboratory Services, Illumina
Classification: Benign for Catecholaminergic polymorphic ventricular tachycardia 1. Last evaluated: 2018-02-09. Review status: criteria provided, single submitter. Criteria: ICSL Variant Classification Criteria 13 December 2019. Collection method: clinical testing. Allele origin: germline.
Comment: This variant was observed as part of a predisposition screen in an ostensibly healthy population. A literature search was performed for the gene, cDNA change, and amino acid change (where applicable). No publications were found based on this search. Allele frequency data from public databases was too high to be consistent with this variant causing disease. Therefore, this variant is classified as benign.

Illumina Laboratory Services, Illumina
Classification: Likely benign for Catecholaminergic polymorphic ventricular tachycardia 1. Last evaluated: 2018-02-09. Review status: criteria provided, single submitter. Criteria: ICSL Variant Classification Criteria 13 December 2019. Collection method: clinical testing. Allele origin: germline.
Comment: This variant was observed as part of a predisposition screen in an ostensibly healthy population. A literature search was performed for the gene, cDNA change, and amino acid change (where applicable). Publications were found based on this search. The evidence from the literature, in combination with allele frequency data from public databases where available, was sufficient to determine this variant is unlikely to cause disease. Therefore, this variant is classified as likely benign.

CHEO Genetics Diagnostic Laboratory, Children's Hospital of Eastern Ontario
Classification: Benign for Cardiomyopathy. Last evaluated: 2017-11-09. Review status: criteria provided, single submitter. Criteria: ACMG Guidelines, 2015. Collection method: clinical testing. Allele origin: germline.

Eurofins Ntd Llc (ga)
Classification: Benign. Last evaluated: 2017-04-12. Review status: criteria provided, single submitter. Criteria: EGL Classification Definitions 2015. Collection method: clinical testing. Allele origin: germline. Observed: 2 variant alleles, 2 heterozygotes.

Ambry Genetics
Classification: Benign for Cardiovascular phenotype. Last evaluated: 2017-03-31. Review status: criteria provided, single submitter. Criteria: Ambry Variant Classification Scheme 2023. Collection method: clinical testing. Allele origin: germline.

Laboratory for Molecular Medicine, Mass General Brigham Personalized Medicine
Classification: Benign. Last evaluated: 2015-06-12. Review status: criteria provided, single submitter. Criteria: LMM Criteria. Collection method: clinical testing. Allele origin: germline. Observed: 7 variant alleles.
Comment: p.Ile4827Ile in exon 101 of RYR2: This variant is not expected to have clinical significance because it does not alter an amino acid residue, is not located wit hin the splice consensus sequence, and has been identified in 0.9% (86/9800) of African chromosomes by the Exome Aggregation Consortium (ExAC; dbSNP rs114303476).

GeneDx
Classification: Benign. Last evaluated: 2014-06-03. Review status: criteria provided, single submitter. Criteria: GeneDx Variant Classification (06012015). Collection method: clinical testing. Allele origin: germline. Affected: yes.
Comment: This variant is considered likely benign or benign based on one or more of the following criteria: it is a conservative change, it occurs at a poorly conserved position in the protein, it is predicted to be benign by multiple in silico algorithms, and/or has population frequency not consistent with disease.

Breakthrough Genomics
Classification: Likely benign. Review status: criteria provided, single submitter. Criteria: ACMG Guidelines, 2015. Collection method: not provided. Allele origin: germline. Inheritance: Autosomal dominant inheritance. Affected: yes.

PreventionGenetics, part of Exact Sciences
Classification: Benign for RYR2-related condition. Last evaluated: 2019-04-30. Review status: no assertion criteria provided. Collection method: clinical testing. Allele origin: germline. Not counted in ClinVar's aggregate classification.
Comment: This variant is classified as benign based on ACMG/AMP sequence variant interpretation guidelines (Richards et al. 2015 PMID: 25741868, with internal and published modifications).

Clinical Genetics DNA and cytogenetics Diagnostics Lab, Erasmus MC, Erasmus Medical Center
Classification: Likely benign. Review status: no assertion criteria provided. Collection method: clinical testing. Allele origin: germline. Affected: yes. Study: VKGL Data-share Consensus. Not counted in ClinVar's aggregate classification.

Clinical Genetics, Academic Medical Center
Classification: Benign. Review status: no assertion criteria provided. Collection method: clinical testing. Allele origin: germline. Affected: yes. Study: VKGL Data-share Consensus. Not counted in ClinVar's aggregate classification.

Genome Diagnostics Laboratory, University Medical Center Utrecht
Classification: Benign. Review status: no assertion criteria provided. Collection method: clinical testing. Allele origin: germline. Affected: yes. Study: VKGL Data-share Consensus. Not counted in ClinVar's aggregate classification.

Literature cited by the submitters: PubMed 27229459 (cited by Illumina Laboratory Services, Illumina).